The following is an entry in ClinVar:

NM_018010.4(IFT57):c.376-2A>G

Gene: IFT57 (intraflagellar transport 57; minus strand). Cytogenetic location: 3q13.13.
Variant type: single nucleotide variant.
Coding change: c.376-2A>G on transcript NM_018010.4 (MANE Select); the canonical splice acceptor site of the intron before coding-DNA position 376, A replaced by G.
Molecular consequence: splice acceptor variant.
Genome position (GRCh38, 1-based): chr3:108,218,655, T>C on the plus strand (A>G on the coding strand, the complement: IFT57 is on the minus strand). VCF-style: chr3-108218655-T-C. GRCh37 (hg19) VCF-style: chr3-107937502-T-C.
Identifiers: ClinVar variation 1962359 (VCV001962359.5), dbSNP rs777608928, ClinGen allele CA2526727.
Genomic context (GRCh38, chr3:108,218,655, plus strand): 5'-CATACATGTTCTCCATAACCTGACTTTAATTTTGAAGGAGGAAAATCTGCAGTTCTTCCC[T>C]GAAAAACAAAAGAAAAAACAGGGTATTATTTGTTAGTTATACTCCAAATGTCAAATATTT-3'

ClinVar aggregate classification (germline): Uncertain significance (1 of 4 stars; one submission).

gnomAD v4.1: 3 of 1,442,246 alleles (0.00021%); highest among the groups gnomAD compares: Non-Finnish European, 0.00028%; no homozygotes.

Submission:

Labcorp Genetics (formerly Invitae), Labcorp
Classification: Uncertain significance. Last evaluated: 2021-12-23. Review status: criteria provided, single submitter. Criteria: Invitae Variant Classification Sherloc (09022015). Collection method: clinical testing. Allele origin: germline.
Comment: In summary, the available evidence is currently insufficient to determine the role of this variant in disease. Therefore, it has been classified as a Variant of Uncertain Significance. Algorithms developed to predict the effect of sequence changes on RNA splicing suggest that this variant may disrupt the consensus splice site. This sequence change affects an acceptor splice site in intron 2 of the IFT57 gene. It is expected to disrupt RNA splicing. Variants that disrupt the donor or acceptor splice site typically lead to a loss of protein function (PMID: 16199547), however the current clinical and genetic evidence is not sufficient to establish whether loss-of-function variants in IFT57 cause disease. The frequency data for this variant in the population databases is considered unreliable, as metrics indicate poor data quality at this position in the gnomAD database. This variant has not been reported in the literature in individuals affected with IFT57-related conditions.

Literature cited by the submitters: PubMed 16199547.